The following is an entry in ClinVar:

NM_138477.4(CDAN1):c.2932T>C (p.Ser978Pro)

Gene: CDAN1 (codanin 1; minus strand). Cytogenetic location: 15q15.2.
Variant type: single nucleotide variant.
Coding change: c.2932T>C on transcript NM_138477.4 (MANE Select); coding-DNA position 2932, T replaced by C.
Protein change: p.Ser978Pro; replaces serine 978 with proline.
Molecular consequence: missense variant.
Genome position (GRCh38, 1-based): chr15:42,727,970, A>G on the plus strand (T>C on the coding strand, the complement: CDAN1 is on the minus strand). VCF-style: chr15-42727970-A-G. GRCh37 (hg19) VCF-style: chr15-43020168-A-G.
Other names: short protein forms S978P.
Identifiers: ClinVar variation 1986482 (VCV001986482.4), dbSNP rs748594717, ClinGen allele CA7515381.

ClinVar aggregate classification (germline): Uncertain significance (1 of 4 stars; one submission).

Allele frequency attached by ClinVar (database versions not stated): gnomAD 0.00001; ExAC 0.00002; TOPMed 0.00002.
gnomAD v4.1: 24 of 1,613,948 alleles (0.0015%); highest among the groups gnomAD compares: Non-Finnish European, 0.002%; no homozygotes.

Submission:

Labcorp Genetics (formerly Invitae), Labcorp
Classification: Uncertain significance. Last evaluated: 2022-07-30. Review status: criteria provided, single submitter. Criteria: Invitae Variant Classification Sherloc (09022015). Collection method: clinical testing. Allele origin: germline.
Comment: This sequence change replaces serine, which is neutral and polar, with proline, which is neutral and non-polar, at codon 978 of the CDAN1 protein (p.Ser978Pro). This variant is present in population databases (rs748594717, gnomAD 0.004%). This variant has not been reported in the literature in individuals affected with CDAN1-related conditions. Algorithms developed to predict the effect of missense changes on protein structure and function are either unavailable or do not agree on the potential impact of this missense change (SIFT: "Tolerated"; PolyPhen-2: "Probably Damaging"; Align-GVGD: "Class C0"). In summary, the available evidence is currently insufficient to determine the role of this variant in disease. Therefore, it has been classified as a Variant of Uncertain Significance.